The following is an entry in ClinVar:

ClinVar aggregate classification (germline): Uncertain significance (1 of 4 stars; one submission).

Allele frequency attached by ClinVar (database versions not stated): gnomAD exomes below 0.00001.
gnomAD v4.1: 1 of 1,614,152 alleles (0.000062%); highest among the groups gnomAD compares: East Asian, 0.0022%; no homozygotes.

Submission:

Labcorp Genetics (formerly Invitae), Labcorp
Classification: Uncertain significance. Last evaluated: 2022-10-16. Review status: criteria provided, single submitter. Criteria: Invitae Variant Classification Sherloc (09022015). Collection method: clinical testing. Allele origin: germline.
Comment: This sequence change replaces leucine, which is neutral and non-polar, with phenylalanine, which is neutral and non-polar, at codon 164 of the PAFAH1B1 protein (p.Leu164Phe). This variant is not present in population databases (gnomAD no frequency). This variant has not been reported in the literature in individuals affected with PAFAH1B1-related conditions. Algorithms developed to predict the effect of missense changes on protein structure and function (SIFT, PolyPhen-2, Align-GVGD) all suggest that this variant is likely to be tolerated. In summary, the available evidence is currently insufficient to determine the role of this variant in disease. Therefore, it has been classified as a Variant of Uncertain Significance.

NM_000430.4(PAFAH1B1):c.490C>T (p.Leu164Phe)

Gene: PAFAH1B1 (platelet activating factor acetylhydrolase 1b regulatory subunit 1; plus strand). Cytogenetic location: 17p13.3.
Variant type: single nucleotide variant.
Coding change: c.490C>T on transcript NM_000430.4 (MANE Select); coding-DNA position 490, C replaced by T.
Protein change: p.Leu164Phe; replaces leucine 164 with phenylalanine.
Molecular consequence: missense variant.
Genome position (GRCh38, 1-based): chr17:2,670,253, C>T. VCF-style: chr17-2670253-C-T. GRCh37 (hg19) VCF-style: chr17-2573547-C-T.
Other names: short protein forms L164F.
Identifiers: ClinVar variation 1721738 (VCV001721738.5), dbSNP rs2544097013, ClinGen allele CA397640146.